The following is an entry in ClinVar:

NM_013275.6(ANKRD11):c.6339_6345dup (p.Glu2116fs)

Gene: ANKRD11 (ankyrin repeat domain 11; minus strand). Cytogenetic location: 16q24.3.
Variant type: Duplication.
Coding change: c.6339_6345dup on transcript NM_013275.6 (MANE Select); coding-DNA positions 6339 to 6345, 7 bases duplicated (CCAGGTG; older notation c.6339_6345dupCCAGGTG).
Protein change: p.Glu2116fs; shifts the reading frame from glutamic acid 2116.
Molecular consequence: frameshift variant.
Genome position (GRCh38, 1-based): chr16:89,280,197-89,280,203, CACCTGG duplicated on the plus strand (CCAGGTG on the coding strand, the reverse complement: ANKRD11 is on the minus strand); duplicating any 7 consecutive bases within chr16:89,280,197-89,280,204 gives the same sequence; the c. name uses the placement nearest the transcript's 3' end. VCF-style (leftmost placement, unchanged base first): chr16-89280196-C-CCACCTGG. GRCh37 (hg19) VCF-style: chr16-89346604-C-CCACCTGG.
Other names: c.6339_6345dup, p.Glu2116fs (NM_001256182.2, NM_001256183.2); short protein forms E2116fs.
Identifiers: ClinVar variation 3901038 (VCV003901038.1).
Genomic context (GRCh38, chr16:89,280,196, plus strand): 5'-AGGGCCCCAGGTCCAGGTCGTCCTCGGGGCCGGCGAAGGCGTCCGCCCAGGGCACCGGCT[C>CCACCTGG]CACCTGGCCGAGGTGAGACAGGCCGCGGCTGCCGTCCAGGAAGCTATTTTCCAGGGGCCC-3'

ClinVar aggregate classification (germline): Likely pathogenic (1 of 4 stars; one submission).

Conditions:
KBG syndrome (KBGS). Also called: ANKRD11-Related KBG Syndrome. Identifiers: Orphanet 2332, MedGen C0220687, MONDO:0007846, OMIM 148050.

Submission:

Laboratorio de Genetica e Diagnostico Molecular, Hospital Israelita Albert Einstein
Classification: Likely pathogenic for KBG syndrome. Last evaluated: 2023-07-03. Review status: criteria provided, single submitter. Criteria: ACMG Guidelines, 2015. Collection method: clinical testing. Allele origin: germline. Affected: yes.
Comment: ACMG classification criteria: PVS1 very strong, PM2 moderate